The following is an entry in ClinVar:

NM_016729.3(FOLR1):c.237C>T (p.Ser79=)

Genes: FOLR1-AS1 (FOLR1 antisense RNA 1; minus strand), FOLR1 (folate receptor alpha; plus strand). Cytogenetic location: 11q13.4.
Variant type: single nucleotide variant.
Coding change: c.237C>T on transcript NM_016729.3 (MANE Select); coding-DNA position 237, C replaced by T.
Protein change: p.Ser79=; no amino-acid change (serine 79 retained).
Molecular consequence: synonymous variant.
Genome position (GRCh38, 1-based): chr11:72,195,339, C>T. VCF-style: chr11-72195339-C-T. GRCh37 (hg19) VCF-style: chr11-71906383-C-T.
Other names: c.237C>T, p.Ser79= (NM_000802.3, NM_016724.3, NM_016725.3).
Identifiers: ClinVar variation 388369 (VCV000388369.12), dbSNP rs867175310, ClinGen allele CA16606328.

ClinVar aggregate classification (germline): Likely benign. Review status: criteria provided, multiple submitters, no conflicts (2 of 4 stars). 3 submissions from 3 submitters: Likely benign (3). Last evaluated 2025-11-02.

Conditions:
Inborn genetic diseases. Identifiers: MedGen C0950123, MeSH D030342.
Cerebral folate transport deficiency. Also called: Neurodegenerative syndrome due to cerebral folate transport deficiency; NEURODEGENERATION DUE TO CEREBRAL FOLATE TRANSPORT DEFICIENCY; FOLR1-Related Cerebral Folate Transport Deficiency; FOLATE RECEPTOR DEFICIENCY; Cerebral folate deficiency syndrome. Identifiers: Orphanet 217382, MedGen C2751584, MONDO:0013110, OMIM 613068. Disease mechanism: loss of function.

Allele frequency attached by ClinVar (database versions not stated): gnomAD exomes 0.00001.
gnomAD v4.1: 7 of 1,614,218 alleles (0.00043%); highest among the groups gnomAD compares: Middle Eastern, 0.12%; no homozygotes.

Submissions (3):

Labcorp Genetics (formerly Invitae), Labcorp
Classification: Likely benign for Cerebral folate transport deficiency. Last evaluated: 2025-11-02. Review status: criteria provided, single submitter. Criteria: Invitae Variant Classification Sherloc (09022015). Collection method: clinical testing. Allele origin: germline.

Ambry Genetics
Classification: Likely benign for Inborn genetic diseases. Last evaluated: 2019-11-06. Review status: criteria provided, single submitter. Criteria: Ambry Variant Classification Scheme 2023. Collection method: clinical testing. Allele origin: germline.

GeneDx
Classification: Likely benign. Last evaluated: 2016-08-08. Review status: criteria provided, single submitter. Criteria: GeneDx Variant Classification (06012015). Collection method: clinical testing. Allele origin: germline. Affected: yes.
Comment: This variant is considered likely benign or benign based on one or more of the following criteria: it is a conservative change, it occurs at a poorly conserved position in the protein, it is predicted to be benign by multiple in silico algorithms, and/or has population frequency not consistent with disease.